The following is an entry in ClinVar:

ClinVar aggregate classification (germline): Uncertain significance (1 of 4 stars; one submission).

Conditions:
Familial thoracic aortic aneurysm and aortic dissection (TAAD). Also called: Thoracic aortic aneurysms and dissections. Identifiers: Orphanet 91387, MedGen C4707243, MONDO:0019625.

gnomAD v4.1: 1 of 1,614,082 alleles (0.000062%); highest among the groups gnomAD compares: Non-Finnish European, 0.000085%; no homozygotes.

Submission:

Color Diagnostics, LLC DBA Color Health
Classification: Uncertain significance for Familial thoracic aortic aneurysm and aortic dissection. Last evaluated: 2025-06-23. Review status: criteria provided, single submitter. Criteria: ACMG Guidelines, 2015. Collection method: clinical testing. Allele origin: germline.
Comment: This missense variant replaces valine with alanine at codon 1241 of the COL3A1 protein. Computational prediction is inconclusive regarding the impact of this variant on protein structure and function. To our knowledge, functional studies have not been reported for this variant. This variant has not been reported in individuals affected with COL3A1-related disorders in the literature. This variant has not been identified in the general population by the Genome Aggregation Database (gnomAD). The available evidence is insufficient to determine the role of this variant in disease conclusively. Therefore, this variant is classified as a Variant of Uncertain Significance.

NM_000090.4(COL3A1):c.3722T>C (p.Val1241Ala)

Gene: COL3A1 (collagen type III alpha 1 chain; plus strand). Cytogenetic location: 2q32.2.
Variant type: single nucleotide variant.
Coding change: c.3722T>C on transcript NM_000090.4 (MANE Select); coding-DNA position 3722, T replaced by C.
Protein change: p.Val1241Ala; replaces valine 1241 with alanine.
Molecular consequence: missense variant.
Genome position (GRCh38, 1-based): chr2:189,009,120, T>C. VCF-style: chr2-189009120-T-C. GRCh37 (hg19) VCF-style: chr2-189873846-T-C.
Other names: short protein forms V1241A.
Identifiers: ClinVar variation 4756960 (VCV004756960.1).